The following is an entry in ClinVar:

ClinVar aggregate classification (germline): Benign. Review status: criteria provided, multiple submitters, no conflicts (2 of 4 stars). 2 submissions from 2 submitters: Benign (2). Last evaluated 2024-07-31.

Submissions (2):

Unidad de Genómica Garrahan, Hospital de Pediatría Garrahan
Classification: Benign. Last evaluated: 2024-07-31. Review status: criteria provided, single submitter. Criteria: ACMG Guidelines, 2015. Collection method: clinical testing. Allele origin: germline. Affected: no. Observed: 29 variant alleles.
Comment: This variant is classified as Benign based on local population frequency. This variant was detected in 31% of patients studied in a panel designed for Epileptic and Developmental Encephalopathy, Progressive Myoclonus Epilepsy and Abnormal Movements and Neurodegeneration with brain iron accumulation. Number of patients: 29. Only high quality variants are reported.

GeneDx
Classification: Benign. Last evaluated: 2019-08-13. Review status: criteria provided, single submitter. Criteria: GeneDx Variant Classification Process June 2021. Collection method: clinical testing. Allele origin: germline. Affected: yes.

NM_005548.3(KARS1):c.389-85del

Gene: KARS1 (lysyl-tRNA synthetase 1; minus strand). Cytogenetic location: 16q23.1.
Variant type: Deletion.
Coding change: c.389-85del on transcript NM_005548.3 (MANE Select); 85 bases into the intron before coding-DNA position 389, one base deleted (A; older notation c.389-85delA).
Molecular consequence: intron variant.
Genome position (GRCh38, 1-based): chr16:75,636,632, T deleted on the plus strand (A on the coding strand, the reverse complement: KARS1 is on the minus strand); the first of 11 consecutive T bases (chr16:75,636,632-75,636,642); deleting any one gives the same sequence. VCF-style (leftmost placement, unchanged base first): chr16-75636631-AT-A. GRCh37 (hg19) VCF-style: chr16-75670529-AT-A.
Other names: c.473-85del (NM_001130089.2); c.-80-85del (NM_001378148.1).
Identifiers: ClinVar variation 1241879 (VCV001241879.4), dbSNP rs57060791, ClinGen allele CA284322438.